The following is an entry in ClinVar:

ClinVar aggregate classification (germline): Pathogenic (0 of 4 stars; one submission).

Submission:

Quest Diagnostics Nichols Institute San Juan Capistrano
Classification: Pathogenic. Last evaluated: 2021-04-01. Review status: no assertion criteria provided. Collection method: clinical testing. Allele origin: germline.
Comment: The copy number loss of 2q23.3q24.1 involves multiple protein-coding genes, including NR4A2 (OMIM 601828), and is expected to cause phenotypic and/or developmental abnormalities. De novo hemizygous deletions involving NR4A2 have been identified in multiple individuals with neurodevelopmental disorders including language impairment, developmental delay, intellectual disability and/or autism spectrum disorder. (Levy et al., Clin Genet. 2018 Aug;94(2):264-268. PMID: 29770430; Leppa et al., Am J Hum Genet. 2016 Sep 1;99(3):540-554. PMID: 27569545).

GRCh37/hg19 2q23.3-24.1(chr2:154328530-158759642)x1

Genes: ACVR1 (activin A receptor type 1; minus strand), ACVR1C (activin A receptor type 1C; minus strand), CYTIP (cytohesin 1 interacting protein; minus strand), ERMN (ermin; minus strand), GALNT13 (polypeptide N-acetylgalactosaminyltransferase 13; plus strand) and 5 more. Cytogenetic location: 2q23.3-24.1.
Variant type: copy number loss.
Change: copy number 1 (one copy instead of two) of chr2:154,328,530-158,759,642 (4.43 Mb, GRCh37 coordinates, 1-based), cytogenetic band 2q23.3-24.1.
Identifiers: ClinVar variation 1340352 (VCV001340352.1).